The following is an entry in ClinVar:

ClinVar aggregate classification (germline): Uncertain significance (1 of 4 stars; one submission).

Conditions:
RYR1-related disorder. Also called: RYR1-related condition; RYR1-related disorders. Identifiers: MedGen CN239331.

Allele frequency attached by ClinVar (database versions not stated): gnomAD exomes below 0.00001.
gnomAD v4.1: 1 of 1,614,126 alleles (0.000062%); highest among the groups gnomAD compares: Non-Finnish European, 0.000085%; no homozygotes.

Submission:

Labcorp Genetics (formerly Invitae), Labcorp
Classification: Uncertain significance for RYR1-related disorder. Last evaluated: 2022-10-04. Review status: criteria provided, single submitter. Criteria: Invitae Variant Classification Sherloc (09022015). Collection method: clinical testing. Allele origin: germline.
Comment: In summary, the available evidence is currently insufficient to determine the role of this variant in disease. Therefore, it has been classified as a Variant of Uncertain Significance. Advanced modeling of protein sequence and biophysical properties (such as structural, functional, and spatial information, amino acid conservation, physicochemical variation, residue mobility, and thermodynamic stability) performed at Invitae indicates that this missense variant is not expected to disrupt RYR1 protein function. This variant has not been reported in the literature in individuals affected with RYR1-related conditions. This variant is not present in population databases (gnomAD no frequency). This sequence change replaces isoleucine, which is neutral and non-polar, with valine, which is neutral and non-polar, at codon 1160 of the RYR1 protein (p.Ile1160Val).

NM_000540.3(RYR1):c.3478A>G (p.Ile1160Val)

Gene: RYR1 (ryanodine receptor 1; plus strand). Cytogenetic location: 19q13.2.
Variant type: single nucleotide variant.
Coding change: c.3478A>G on transcript NM_000540.3 (MANE Select); coding-DNA position 3478, A replaced by G.
Protein change: p.Ile1160Val; replaces isoleucine 1160 with valine.
Molecular consequence: missense variant.
Genome position (GRCh38, 1-based): chr19:38,469,062, A>G. VCF-style: chr19-38469062-A-G. GRCh37 (hg19) VCF-style: chr19-38959702-A-G.
Other names: c.3478A>G, p.Ile1160Val (NM_001042723.2); short protein forms I1160V.
Identifiers: ClinVar variation 1720938 (VCV001720938.5), dbSNP rs2514113747, ClinGen allele CA405638607.